The following is an entry in ClinVar:

ClinVar aggregate classification (germline): Uncertain significance (1 of 4 stars; one submission).

Conditions:
Inborn genetic diseases. Identifiers: MedGen C0950123, MeSH D030342.

gnomAD v4.1: 1 of 1,614,088 alleles (0.000062%); highest among the groups gnomAD compares: African/African-American, 0.0013%; no homozygotes.

Submission:

Ambry Genetics
Classification: Uncertain significance for Inborn genetic diseases. Last evaluated: 2024-12-14. Review status: criteria provided, single submitter. Criteria: Ambry Variant Classification Scheme 2023. Collection method: clinical testing. Allele origin: germline.
Comment: The p.K166R variant (also known as c.497A>G), located in coding exon 6 of the DDX41 gene, results from an A to G substitution at nucleotide position 497. The lysine at codon 166 is replaced by arginine, an amino acid with highly similar properties. This amino acid position is conserved. In addition, this alteration is predicted to be tolerated by in silico analysis. Based on the available evidence, the clinical significance of this variant remains unclear.

NM_016222.4(DDX41):c.497A>G (p.Lys166Arg)

Gene: DDX41 (DEAD-box helicase 41; minus strand). Cytogenetic location: 5q35.3.
Variant type: single nucleotide variant.
Coding change: c.497A>G on transcript NM_016222.4 (MANE Select); coding-DNA position 497, A replaced by G.
Protein change: p.Lys166Arg; replaces lysine 166 with arginine.
Molecular consequence: missense variant.
Genome position (GRCh38, 1-based): chr5:177,515,759, T>C on the plus strand (A>G on the coding strand, the complement: DDX41 is on the minus strand). VCF-style: chr5-177515759-T-C. GRCh37 (hg19) VCF-style: chr5-176942760-T-C.
Other names: c.119A>G, p.Lys40Arg (NM_001321732.2, NM_001321830.2); short protein forms K40R, K166R.
Identifiers: ClinVar variation 3838936 (VCV003838936.1).